The following is an entry in ClinVar:

ClinVar aggregate classification (germline): Uncertain significance (1 of 4 stars; one submission).

Submission:

GeneDx
Classification: Uncertain significance. Last evaluated: 2025-06-30. Review status: criteria provided, single submitter. Criteria: GeneDx Variant Classification Process June 2021. Collection method: clinical testing. Allele origin: germline. Affected: yes.
Comment: Not observed at significant frequency in large population cohorts (gnomAD); In silico analysis suggests that this missense variant does not alter protein structure/function; Has not been previously published as pathogenic or benign to our knowledge

NM_005422.4(TECTA):c.562T>G (p.Trp188Gly)

Genes: TBCEL-TECTA (TBCEL-TECTA readthrough; plus strand), TECTA (tectorin alpha; plus strand). Cytogenetic location: 11q23.3.
Variant type: single nucleotide variant.
Coding change: c.562T>G on transcript NM_005422.4 (MANE Select); coding-DNA position 562, T replaced by G.
Protein change: p.Trp188Gly; replaces tryptophan 188 with glycine.
Molecular consequence: missense variant.
Genome position (GRCh38, 1-based): chr11:121,113,147, T>G. VCF-style: chr11-121113147-T-G. GRCh37 (hg19) VCF-style: chr11-120983856-T-G.
Other names: c.1519T>G, p.Trp507Gly (NM_001378761.1); short protein forms W188G, W507G.
Identifiers: ClinVar variation 4680921 (VCV004680921.1).